The following is an entry in ClinVar:

ClinVar aggregate classification (germline): Likely benign (1 of 4 stars; one submission).

Conditions:
IFT140-related disorder. Also called: IFT140-related condition.

gnomAD v4.1: 5 of 1,608,556 alleles (0.00031%); highest among the groups gnomAD compares: African/African-American, 0.0013%; no homozygotes.

Submission:

PreventionGenetics, part of Exact Sciences
Classification: Likely benign for IFT140-related condition. Last evaluated: 2026-04-27. Review status: criteria provided, single submitter. Criteria: ACMG Guidelines, 2015. Collection method: clinical testing. Allele origin: germline.
Comment: This variant is classified as likely benign based on ACMG/AMP sequence variant interpretation guidelines (Richards et al. 2015 PMID: 25741868, with internal and published modifications).

NM_014714.4(IFT140):c.2088C>G (p.Ser696=)

Gene: IFT140 (intraflagellar transport 140; minus strand). Cytogenetic location: 16p13.3.
Variant type: single nucleotide variant.
Coding change: c.2088C>G on transcript NM_014714.4 (MANE Select); coding-DNA position 2088, C replaced by G.
Protein change: p.Ser696=; no amino-acid change (serine 696 retained).
Molecular consequence: synonymous variant.
Genome position (GRCh38, 1-based): chr16:1,562,096, G>C on the plus strand (C>G on the coding strand, the complement: IFT140 is on the minus strand). VCF-style: chr16-1562096-G-C. GRCh37 (hg19) VCF-style: chr16-1612097-G-C.
Identifiers: ClinVar variation 4993078 (VCV004993078.1).
Genomic context (GRCh38, chr16:1,562,096, plus strand): 5'-GGTGGCAGGCCGGGGGAAGCTCTCATGAAGCAGGAAGCCGTGCTCTTCGGAAATGAAGAA[G>C]GACAGGATCAAAACATCTGCCTGGGAGAGAAAGAAAAGTACTGTTCTGTTTTTTTTTTTA-3'
Protein context (NP_055529.2, residues 686-706): AGPAADVLIL[Ser696=]FFISEEHGFL